The following is an entry in ClinVar:

NM_000071.3(CBS):c.1096G>A (p.Glu366Lys)

Gene: CBS (cystathionine beta-synthase; minus strand). Cytogenetic location: 21q22.3.
Variant type: single nucleotide variant.
Coding change: c.1096G>A on transcript NM_000071.3 (MANE Select); coding-DNA position 1096, G replaced by A.
Protein change: p.Glu366Lys; replaces glutamic acid 366 with lysine.
Molecular consequence: missense variant.
Genome position (GRCh38, 1-based): chr21:43,060,490, C>T on the plus strand (G>A on the coding strand, the complement: CBS is on the minus strand). VCF-style: chr21-43060490-C-T. GRCh37 (hg19) VCF-style: chr21-44480600-C-T.
Other names: c.1096G>A, p.Glu366Lys (NM_001178008.3, NM_001178009.3, NM_001320298.2); c.781G>A, p.Glu261Lys (NM_001321072.1); short protein forms E261K, E366K.
Identifiers: ClinVar variation 2577390 (VCV002577390.2), dbSNP rs757098275, ClinGen allele CA321689743.

ClinVar aggregate classification (germline): Uncertain significance. Review status: criteria provided, multiple submitters, no conflicts (2 of 4 stars). 2 submissions from 2 submitters: Uncertain significance (2). Last evaluated 2025-05-14.

Conditions:
Familial thoracic aortic aneurysm and aortic dissection (TAAD). Also called: Thoracic aortic aneurysms and dissections. Identifiers: Orphanet 91387, MedGen C4707243, MONDO:0019625.

Allele frequency attached by ClinVar (database versions not stated): ExAC 0.00001.

Submissions (2):

Ambry Genetics
Classification: Uncertain significance for Familial thoracic aortic aneurysm and aortic dissection. Last evaluated: 2025-05-14. Review status: criteria provided, single submitter. Criteria: Ambry Variant Classification Scheme 2023. Collection method: clinical testing. Allele origin: germline.
Comment: The p.E366K variant (also known as c.1096G>A), located in coding exon 10 of the CBS gene, results from a G to A substitution at nucleotide position 1096. The glutamic acid at codon 366 is replaced by lysine, an amino acid with similar properties. This amino acid position is well conserved in available vertebrate species. In addition, the in silico prediction for this alteration is inconclusive. Based on the available evidence, the clinical significance of this variant remains unclear.

Women's Health and Genetics/Laboratory Corporation of America, LabCorp
Classification: Uncertain significance. Last evaluated: 2023-07-29. Review status: criteria provided, single submitter. Criteria: LabCorp Variant Classification Summary - May 2015. Collection method: clinical testing. Allele origin: germline.